The following is an entry in ClinVar:

ClinVar aggregate classification (germline): Uncertain significance. Review status: criteria provided, multiple submitters, no conflicts (2 of 4 stars). 2 submissions from 2 submitters: Uncertain significance (2). Last evaluated 2025-06-10.

Conditions:
PGM1-congenital disorder of glycosylation. Also called: Congenital disorder of glycosylation type 1t; CDG It; PHOSPHOGLUCOMUTASE 1 DEFICIENCY; PGM1 DEFICIENCY; GLYCOGEN STORAGE DISEASE XIV; GSD XIV. Identifiers: Orphanet 319646, MedGen C2752015, MONDO:0013968, OMIM 614921.
Inborn genetic diseases. Identifiers: MedGen C0950123, MeSH D030342.

Allele frequency attached by ClinVar (database versions not stated): gnomAD exomes below 0.00001; ExAC 0.00001; gnomAD 0.00001; 1000 Genomes Project 30x 0.00016; 1000 Genomes Project 0.00020.
gnomAD v4.1: 1 of 1,614,130 alleles (0.000062%); highest among the groups gnomAD compares: East Asian, 0.0022%; no homozygotes.

Submissions (2):

Ambry Genetics
Classification: Uncertain significance for Inborn genetic diseases. Last evaluated: 2025-06-10. Review status: criteria provided, single submitter. Criteria: Ambry Variant Classification Scheme 2023. Collection method: clinical testing. Allele origin: germline.

Labcorp Genetics (formerly Invitae), Labcorp
Classification: Uncertain significance for PGM1-congenital disorder of glycosylation. Last evaluated: 2022-07-12. Review status: criteria provided, single submitter. Criteria: Invitae Variant Classification Sherloc (09022015). Collection method: clinical testing. Allele origin: germline.
Comment: ClinVar contains an entry for this variant (Variation ID: 1046208). In summary, the available evidence is currently insufficient to determine the role of this variant in disease. Therefore, it has been classified as a Variant of Uncertain Significance. Algorithms developed to predict the effect of missense changes on protein structure and function are either unavailable or do not agree on the potential impact of this missense change (SIFT: "Deleterious"; PolyPhen-2: "Benign"; Align-GVGD: "Class C0"). This variant has not been reported in the literature in individuals affected with PGM1-related conditions. This variant is present in population databases (rs567337429, gnomAD 0.006%). This sequence change replaces isoleucine, which is neutral and non-polar, with leucine, which is neutral and non-polar, at codon 412 of the PGM1 protein (p.Ile412Leu).

NM_002633.3(PGM1):c.1234A>C (p.Ile412Leu)

Gene: PGM1 (phosphoglucomutase 1; plus strand). Cytogenetic location: 1p31.3.
Variant type: single nucleotide variant.
Coding change: c.1234A>C on transcript NM_002633.3 (MANE Select); coding-DNA position 1234, A replaced by C.
Protein change: p.Ile412Leu; replaces isoleucine 412 with leucine.
Molecular consequence: missense variant.
Genome position (GRCh38, 1-based): chr1:63,648,606, A>C. VCF-style: chr1-63648606-A-C. GRCh37 (hg19) VCF-style: chr1-64114277-A-C.
Other names: c.1288A>C, p.Ile430Leu (NM_001172818.1); c.643A>C, p.Ile215Leu (NM_001172819.2); c.1234A>C (NM_002633.2); short protein forms I215L, I430L, I412L.
Identifiers: ClinVar variation 1046208 (VCV001046208.10), dbSNP rs567337429, ClinGen allele CA889773.
Genomic context (GRCh38, chr1:63,648,606, plus strand): 5'-CTGTGGGCTGTCCTTGCCTGGCTCTCCATCCTAGCCACCCGCAAGCAGAGTGTGGAGGAC[A>C]TTCTCAAAGATCATTGGCAAAAGTATGGCCGGAATTTCTTCACCAGGTGAGCCACAGCCC-3'
Protein context (NP_002624.2, residues 402-422): LATRKQSVED[Ile412Leu]LKDHWQKYGR